The following is an entry in ClinVar:

NM_032525.3(TUBB6):c.1233G>A (p.Ala411=)

Gene: TUBB6 (tubulin beta 6 class V; plus strand). Cytogenetic location: 18p11.21.
Variant type: single nucleotide variant.
Coding change: c.1233G>A on transcript NM_032525.3 (MANE Select); coding-DNA position 1233, G replaced by A.
Protein change: p.Ala411=; no amino-acid change (alanine 411 retained).
Molecular consequence: synonymous variant. On other transcripts: intron variant (1).
Genome position (GRCh38, 1-based): chr18:12,326,022, G>A. VCF-style: chr18-12326022-G-A. GRCh37 (hg19) VCF-style: chr18-12326021-G-A.
Other names: c.1233G>A, p.Ala411= (NM_001303524.1); c.1122G>A, p.Ala374= (NM_001303526.2); c.1017G>A, p.Ala339= (NM_001303527.2); c.1038G>A, p.Ala346= (NM_001303528.2); c.795G>A, p.Ala265= (NM_001303529.3, NM_001303530.3); c.278-3124G>A (NM_001303525.2).
Identifiers: ClinVar variation 3047536 (VCV003047536.2), dbSNP rs367986182, ClinGen allele CA8896165.
Genomic context (GRCh38, chr18:12,326,022, plus strand): 5'-CAAGGCCTTCCTGCACTGGTTCACGGGTGAGGGCATGGATGAAATGGAGTTCACCGAGGC[G>A]GAGAGCAACATGAACGACCTGGTATCCGAGTACCAGCAGTACCAGGATGCCACCGCCAAT-3'
Protein context (NP_115914.1, residues 401-421): EGMDEMEFTE[Ala411=]ESNMNDLVSE

ClinVar aggregate classification (germline): Likely benign (0 of 4 stars; one submission).

Conditions:
TUBB6-related disorder. Also called: TUBB6-related condition.

Allele frequency attached by ClinVar (database versions not stated): ESP Exome Variant Server 0.00008; 1000 Genomes Project 30x 0.00016; 1000 Genomes Project 0.00020.
gnomAD v4.1: 45 of 1,614,156 alleles (0.0028%); highest among the groups gnomAD compares: Admixed American, 0.0067%; no homozygotes.

Submission:

PreventionGenetics, part of Exact Sciences
Classification: Likely benign for TUBB6-related condition. Last evaluated: 2019-02-22. Review status: no assertion criteria provided. Collection method: clinical testing. Allele origin: germline.
Comment: This variant is classified as likely benign based on ACMG/AMP sequence variant interpretation guidelines (Richards et al. 2015 PMID: 25741868, with internal and published modifications).